The following is an entry in ClinVar:

NM_181882.3(PRX):c.2028_2213dup (p.Glu677_Pro738dup)

Gene: PRX (periaxin; minus strand). Cytogenetic location: 19q13.2.
Variant type: Duplication.
Coding change: c.2028_2213dup on transcript NM_181882.3 (MANE Select); coding-DNA positions 2028 to 2213, 186 bases duplicated.
Protein change: p.Glu677_Pro738dup.
Molecular consequence: inframe insertion. On other transcripts: 3 prime UTR variant (1).
Genome position (GRCh38, 1-based): chr19:40,396,139-40,396,324, 186 bases duplicated. GRCh37 (hg19): chr19:40,902,065-40,902,250.
Other names: c.*2233_*2418dup (NM_020956.2).
Identifiers: ClinVar variation 1470929 (VCV001470929.8), dbSNP rs2145728948, ClinGen allele CA2573156370.

ClinVar aggregate classification (germline): Uncertain significance (1 of 4 stars; one submission).

Conditions:
Charcot-Marie-Tooth disease type 4. Also called: Charcot-Marie-Tooth disease, type IV; Charcot-Marie-Tooth, Type 4. Identifiers: Orphanet 64749, MedGen C4082197, MONDO:0018995.

Submission:

Labcorp Genetics (formerly Invitae), Labcorp
Classification: Uncertain significance for Charcot-Marie-Tooth disease type 4. Last evaluated: 2024-02-16. Review status: criteria provided, single submitter. Criteria: Invitae Variant Classification Sherloc (09022015). Collection method: clinical testing. Allele origin: germline.
Comment: This variant, c.2028_2213dup, results in the insertion of 62 amino acid(s) of the PRX protein (p.Glu677_Pro738dup), but otherwise preserves the integrity of the reading frame. This variant is not present in population databases (gnomAD no frequency). This variant has not been reported in the literature in individuals affected with PRX-related conditions. ClinVar contains an entry for this variant (Variation ID: 1470929). Experimental studies and prediction algorithms are not available or were not evaluated, and the functional significance of this variant is currently unknown. In summary, the available evidence is currently insufficient to determine the role of this variant in disease. Therefore, it has been classified as a Variant of Uncertain Significance.